The following is an entry in ClinVar:

ClinVar aggregate classification (germline): Likely benign. Review status: criteria provided, multiple submitters, no conflicts (2 of 4 stars). 3 submissions from 3 submitters: Likely benign (3). Last evaluated 2025-07-10.

Conditions:
Renal cell carcinoma. Identifiers: Orphanet 217071, MedGen C0007134, MeSH D002292, MONDO:0005086, HP:0005584.
Hereditary cancer-predisposing syndrome. Also called: Hereditary neoplastic syndrome; Neoplastic Syndromes, Hereditary; Tumor predisposition; Hereditary Cancer Syndrome. Identifiers: Orphanet 140162, MedGen C0027672, MeSH D009386, MONDO:0015356.
Papillary renal cell carcinoma type 1 (RCCP1). Also called: Renal adenocarcinoma; Renal cell carcinoma 1; Renal cell carcinoma, somatic; RENAL CELL CARCINOMA, PAPILLARY, 1, SOMATIC. Identifiers: Orphanet 47044, MedGen C1336839, OMIM 605074, HP:0011797.

Allele frequency attached by ClinVar (database versions not stated): gnomAD exomes 0.00001 and below 0.00001.
gnomAD v4.1: 9 of 1,611,570 alleles (0.00056%); highest among the groups gnomAD compares: Admixed American, 0.0017%; no homozygotes.

Submissions (3):

Labcorp Genetics (formerly Invitae), Labcorp
Classification: Likely benign for Renal cell carcinoma. Last evaluated: 2025-07-10. Review status: criteria provided, single submitter. Criteria: Invitae Variant Classification Sherloc (09022015). Collection method: clinical testing. Allele origin: germline.

Myriad Genetics, Inc.
Classification: Likely benign for Papillary renal cell carcinoma type 1. Last evaluated: 2024-11-11. Review status: criteria provided, single submitter. Criteria: Myriad Autosomal Dominant, Autosomal Recessive and X-Linked Classification Criteria (2023). Collection method: clinical testing. Allele origin: unknown.
Comment: This variant is considered likely benign. This variant is intronic and is not expected to impact mRNA splicing.

Ambry Genetics
Classification: Likely benign for Hereditary cancer-predisposing syndrome. Last evaluated: 2022-03-07. Review status: criteria provided, single submitter. Criteria: Ambry Variant Classification Scheme 2023. Collection method: clinical testing. Allele origin: germline.

NM_000245.4(MET):c.2265-15A>G

Gene: MET (MET proto-oncogene, receptor tyrosine kinase; plus strand). Cytogenetic location: 7q31.2.
Variant type: single nucleotide variant.
Coding change: c.2265-15A>G on transcript NM_000245.4 (MANE Select); 15 bases into the intron before coding-DNA position 2265, A replaced by G.
Molecular consequence: intron variant. On other transcripts: synonymous variant (1).
Genome position (GRCh38, 1-based): chr7:116,759,376, A>G. VCF-style: chr7-116759376-A-G. GRCh37 (hg19) VCF-style: chr7-116399430-A-G.
Other names: c.2304A>G, p.Leu768= (NM_001127500.3); c.975-15A>G (NM_001324402.2); c.2265-15A>G (NM_001324401.3).
Identifiers: ClinVar variation 184524 (VCV000184524.17), dbSNP rs201304108, ClinGen allele CA189198.